The following is an entry in ClinVar:

ClinVar aggregate classification (germline): Uncertain significance (1 of 4 stars; one submission).

Conditions:
Mucopolysaccharidosis, MPS-III-C (MPS3C). Also called: MPS IIIC (Sanfilippo Syndrome Type C); MUCOPOLYSACCHARIDOSIS, TYPE IIIC; Mucopolysaccharidosis type IIIC (Sanfilippo C); mucopolysaccharidosis type 3C; SANFILIPPO SYNDROME C; MPS III C. Identifiers: Orphanet 581, Orphanet 79271, MedGen C0086649, MONDO:0009657, OMIM 252930.
Retinitis pigmentosa 73 (RP73). Identifiers: Orphanet 791, MedGen C4225287, MONDO:0014687, OMIM 616544.

Allele frequency attached by ClinVar (database versions not stated): gnomAD exomes 0.00001 and below 0.00001; gnomAD 0.00001.
gnomAD v4.1: 7 of 1,604,706 alleles (0.00044%); highest among the groups gnomAD compares: African/African-American, 0.0013%; no homozygotes.

Submission:

Labcorp Genetics (formerly Invitae), Labcorp
Classification: Uncertain significance for Retinitis pigmentosa 73; Mucopolysaccharidosis, MPS-III-C. Last evaluated: 2022-01-07. Review status: criteria provided, single submitter. Criteria: Invitae Variant Classification Sherloc (09022015). Collection method: clinical testing. Allele origin: germline.
Comment: This sequence change replaces isoleucine, which is neutral and non-polar, with valine, which is neutral and non-polar, at codon 314 of the HGSNAT protein (p.Ile314Val). This variant is present in population databases (no rsID available, gnomAD 0.0009%). This variant has not been reported in the literature in individuals affected with HGSNAT-related conditions. ClinVar contains an entry for this variant (Variation ID: 958096). Advanced modeling of protein sequence and biophysical properties (such as structural, functional, and spatial information, amino acid conservation, physicochemical variation, residue mobility, and thermodynamic stability) performed at Invitae indicates that this missense variant is not expected to disrupt HGSNAT protein function. In summary, the available evidence is currently insufficient to determine the role of this variant in disease. Therefore, it has been classified as a Variant of Uncertain Significance.

NM_152419.3(HGSNAT):c.940A>G (p.Ile314Val)

Gene: HGSNAT (heparan-alpha-glucosaminide N-acetyltransferase; plus strand). Cytogenetic location: 8p11.21.
Variant type: single nucleotide variant.
Coding change: c.940A>G on transcript NM_152419.3 (MANE Select); coding-DNA position 940, A replaced by G.
Protein change: p.Ile314Val; replaces isoleucine 314 with valine.
Molecular consequence: missense variant. On other transcripts: intron variant (1).
Genome position (GRCh38, 1-based): chr8:43,178,162, A>G. VCF-style: chr8-43178162-A-G. GRCh37 (hg19) VCF-style: chr8-43033305-A-G.
Other names: c.940A>G, p.Ile314Val (NM_001363227.2); c.76A>G, p.Ile26Val (NM_001363229.2); c.821-3983A>G (NM_001363228.2); short protein forms I314V, I26V.
Identifiers: ClinVar variation 958096 (VCV000958096.4), dbSNP rs1446334240, ClinGen allele CA371117168.